The following is an entry in ClinVar:

NM_152309.3(PIK3AP1):c.2084A>T (p.Glu695Val)

Gene: PIK3AP1 (phosphoinositide-3-kinase adaptor protein 1; minus strand). Cytogenetic location: 10q24.1.
Variant type: single nucleotide variant.
Coding change: c.2084A>T on transcript NM_152309.3 (MANE Select); coding-DNA position 2084, A replaced by T.
Protein change: p.Glu695Val; replaces glutamic acid 695 with valine.
Molecular consequence: missense variant.
Genome position (GRCh38, 1-based): chr10:96,609,798, T>A on the plus strand (A>T on the coding strand, the complement: PIK3AP1 is on the minus strand). VCF-style: chr10-96609798-T-A. GRCh37 (hg19) VCF-style: chr10-98369555-T-A.
Other names: short protein forms E695V.
Identifiers: ClinVar variation 474920 (VCV000474920.9), dbSNP rs1460674779, ClinGen allele CA377752522.

ClinVar aggregate classification (germline): Uncertain significance (1 of 4 stars; one submission).

Conditions:
Infantile spasms. Also called: Infantile spasm. Identifiers: MedGen C3887898, HP:0012469.

Allele frequency attached by ClinVar (database versions not stated): gnomAD 0.00001; gnomAD exomes below 0.00001 and 0.00001; TOPMed 0.00001.
gnomAD v4.1: 9 of 1,614,000 alleles (0.00056%); highest among the groups gnomAD compares: Admixed American, 0.013%; no homozygotes.

Submission:

Labcorp Genetics (formerly Invitae), Labcorp
Classification: Uncertain significance for Infantile spasms. Last evaluated: 2024-11-09. Review status: criteria provided, single submitter. Criteria: Invitae Variant Classification Sherloc (09022015). Collection method: clinical testing. Allele origin: germline.
Comment: This sequence change replaces glutamic acid, which is acidic and polar, with valine, which is neutral and non-polar, at codon 695 of the PIK3AP1 protein (p.Glu695Val). This variant is present in population databases (no rsID available, gnomAD 0.003%). This variant has not been reported in the literature in individuals affected with PIK3AP1-related conditions. ClinVar contains an entry for this variant (Variation ID: 474920). An algorithm developed to predict the effect of missense changes on protein structure and function (PolyPhen-2) suggests that this variant is likely to be disruptive. In summary, the available evidence is currently insufficient to determine the role of this variant in disease. Therefore, it has been classified as a Variant of Uncertain Significance.